The following is an entry in ClinVar:

NM_020366.4(RPGRIP1):c.2367+82A>G

Gene: RPGRIP1 (RPGR interacting protein 1; plus strand). Cytogenetic location: 14q11.2.
Variant type: single nucleotide variant.
Coding change: c.2367+82A>G on transcript NM_020366.4 (MANE Select); 82 bases into the intron after coding-DNA position 2367, A replaced by G.
Molecular consequence: intron variant.
Genome position (GRCh38, 1-based): chr14:21,325,465, A>G. VCF-style: chr14-21325465-A-G. GRCh37 (hg19) VCF-style: chr14-21793624-A-G.
Other names: NC_000014.8:g.21793624A>G; c.1293+82A>G (NM_001377948.1); c.796+740A>G (NM_001377949.1); c.689-2158A>G (NM_001377523.1, NM_001377950.1); c.191-2158A>G (NM_001377951.1); c.2367+82A>G (NM_020366.3).
Identifiers: ClinVar variation 4395296 (VCV004395296.3).

ClinVar aggregate classification (germline): Conflicting classifications of pathogenicity. Review status: criteria provided, conflicting classifications (1 of 4 stars). 2 submissions from 2 submitters: Likely pathogenic (1); Uncertain significance (1). Last evaluated 2026-03-25.

Conditions:
Leber congenital amaurosis (LCA). Also called: Leber's amaurosis. Identifiers: Orphanet 65, MedGen C0339527, MeSH D057130, MONDO:0018998.
RPGRIP1-related disorder. Also called: RPGRIP1-related condition.

gnomAD v4.1: 162 of 1,300,476 alleles (0.012%); highest among the groups gnomAD compares: Non-Finnish European, 0.015%; no homozygotes.

Submissions (3):

PreventionGenetics, part of Exact Sciences
Classification: Uncertain significance for RPGRIP1-related condition. Last evaluated: 2026-03-25. Review status: criteria provided, single submitter. Criteria: ACMG Guidelines, 2015. Collection method: clinical testing. Allele origin: germline.
Comment: The RPGRIP1 c.2367+82A>G variant is predicted to interfere with splicing. This variant has been reported along with a second causative RPGRIP1 variant in an individual with cone-rod dystrophy (Qian et al. 2021. PubMed ID: 33737949). This variant is predicted to activate a cryptic donor splice site that results in an in-frame insertion of 81 nucleotides and generation of a premature stop codon 19 amino acids downstream of the original donor splice site of exon 15 (Qian et al. 2021. PubMed ID: 33737949). An in vitro minigene assay reveals that this variant predominantly (~65%) produces the aberrant transcript with altered splicing and premature stop codon, but also generates the wildtype transcript ~35% of the time (Qian et al. 2021. PubMed ID: 33737949). This variant is reported in 0.071% of alleles in individuals of European (Non-Finnish) descent in gnomAD. Although we suspect that this variant may be pathogenic, at this time, the clinical significance of this variant is uncertain due to the absence of conclusive functional and genetic evidence.

Women's Health and Genetics/Laboratory Corporation of America, LabCorp
Classification: Likely pathogenic for Leber congenital amaurosis. Last evaluated: 2025-10-27. Review status: criteria provided, single submitter. Criteria: LabCorp Variant Classification Summary - May 2015. Collection method: clinical testing. Allele origin: germline.
Comment: Variant summary: RPGRIP1 c.2367+82A>G is located at a position not widely known to affect splicing. Several computational tools predict a significant impact on normal splicing: Four predict the variant creates a cryptic 5' donor site. At least one publication reports experimental evidence that this variant affects mRNA splicing. The variant allele was found at a frequency of 0.00035 in 31404 control chromosomes. This frequency is not significantly higher than estimated for disease-causing variants in RPGRIP1, allowing no conclusion about variant significance. c.2367+82A>G has been observed in at-least one individual affected with cone-rod dystrophy (example, Qian_2021). The following publication has been ascertained in the context of this evaluation (PMID: 33737949). No submitters have cited clinical-significance assessments for this variant to ClinVar. Based on the evidence outlined above, the variant was classified as likely pathogenic.

Dr. Peter K. Rogan Lab, Western University
No classification provided (evidence only). Condition: Ovarian serous cystadenocarcinoma. Review status: no classification provided. Collection method: in vitro. Allele origin: not applicable. Functional consequence: retained intron. Not counted in ClinVar's aggregate classification.

Literature cited by the submitters: PubMed 33737949 (cited by Women's Health and Genetics/Laboratory Corporation of America, LabCorp).